The following is an entry in ClinVar:

NM_002905.5(RDH5):c.478A>G (p.Asn160Asp)

Genes: BLOC1S1-RDH5 (BLOC1S1-RDH5 readthrough; plus strand), RDH5 (retinol dehydrogenase 5; plus strand). Cytogenetic location: 12q13.2.
Variant type: single nucleotide variant.
Coding change: c.478A>G on transcript NM_002905.5 (MANE Select); coding-DNA position 478, A replaced by G.
Protein change: p.Asn160Asp; replaces asparagine 160 with aspartic acid.
Molecular consequence: missense variant. On other transcripts: non-coding transcript variant (1).
Genome position (GRCh38, 1-based): chr12:55,721,856, A>G. VCF-style: chr12-55721856-A-G. GRCh37 (hg19) VCF-style: chr12-56115640-A-G.
Other names: c.478A>G, p.Asn160Asp (NM_001199771.3); short protein forms N160D.
Identifiers: ClinVar variation 2108632 (VCV002108632.4), dbSNP rs2540003968, ClinGen allele CA385200979.

ClinVar aggregate classification (germline): Uncertain significance (1 of 4 stars; one submission).

Submission:

Labcorp Genetics (formerly Invitae), Labcorp
Classification: Uncertain significance. Last evaluated: 2022-03-10. Review status: criteria provided, single submitter. Criteria: Invitae Variant Classification Sherloc (09022015). Collection method: clinical testing. Allele origin: germline.
Comment: This variant is not present in population databases (gnomAD no frequency). In summary, the available evidence is currently insufficient to determine the role of this variant in disease. Therefore, it has been classified as a Variant of Uncertain Significance. Algorithms developed to predict the effect of missense changes on protein structure and function are either unavailable or do not agree on the potential impact of this missense change (SIFT: "Tolerated"; PolyPhen-2: "Probably Damaging"; Align-GVGD: "Class C0"). This variant has not been reported in the literature in individuals affected with RDH5-related conditions. This sequence change replaces asparagine, which is neutral and polar, with aspartic acid, which is acidic and polar, at codon 160 of the RDH5 protein (p.Asn160Asp).